The following is an entry in ClinVar:

ClinVar aggregate classification (germline): Benign/Likely benign. Review status: criteria provided, multiple submitters, no conflicts (2 of 4 stars). 5 submissions from 5 submitters: Benign (1); Likely benign (4). Last evaluated 2026-01-15.

Conditions:
Muscular dystrophy-dystroglycanopathy (congenital with brain and eye anomalies), type a, 8 (MDDGA8). Also called: WALKER-WARBURG SYNDROME OR MUSCLE-EYE-BRAIN DISEASE, GTDC2-RELATED. Identifiers: Orphanet 899, MedGen C3553813, MONDO:0013904, OMIM 614830.

Allele frequency attached by ClinVar (database versions not stated): gnomAD exomes 0.00008 and 0.00025; ExAC 0.00035; gnomAD 0.00085 and 0.00092; TOPMed 0.00105; ESP Exome Variant Server 0.00131; 1000 Genomes Project 0.00140; 1000 Genomes Project 30x 0.00141.
gnomAD v4.1: 253 of 1,613,200 alleles (0.016%); highest among the groups gnomAD compares: African/African-American, 0.25%; 2 homozygotes.

Submissions (5):

Labcorp Genetics (formerly Invitae), Labcorp
Classification: Benign for Muscular dystrophy-dystroglycanopathy (congenital with brain and eye anomalies), type a, 8. Last evaluated: 2026-01-15. Review status: criteria provided, single submitter. Criteria: Invitae Variant Classification Sherloc (09022015). Collection method: clinical testing. Allele origin: germline.

CeGaT Center for Human Genetics Tuebingen
Classification: Likely benign. Last evaluated: 2025-03-01. Review status: criteria provided, single submitter. Criteria: CeGaT Center For Human Genetics Tuebingen Variant Classification Criteria Version 2. Collection method: clinical testing. Allele origin: germline. Affected: yes. Observed: 2 variant alleles.
Comment: POMGNT2: BP4, BP7

Blueprint Genetics
Classification: Likely benign. Last evaluated: 2024-11-11. Review status: criteria provided, single submitter. Criteria: ACMG Guidelines, 2015. Collection method: clinical testing. Allele origin: germline.

GeneDx
Classification: Likely benign. Last evaluated: 2016-10-06. Review status: criteria provided, single submitter. Criteria: GeneDx Variant Classification (06012015). Collection method: clinical testing. Allele origin: germline. Affected: yes.
Comment: This variant is considered likely benign or benign based on one or more of the following criteria: it is a conservative change, it occurs at a poorly conserved position in the protein, it is predicted to be benign by multiple in silico algorithms, and/or has population frequency not consistent with disease.

Breakthrough Genomics
Classification: Likely benign. Review status: criteria provided, single submitter. Criteria: ACMG Guidelines, 2015. Collection method: not provided. Allele origin: germline. Inheritance: Autosomal recessive inheritance. Affected: yes.

NM_032806.6(POMGNT2):c.153C>T (p.Ile51=)

Gene: POMGNT2 (protein O-linked mannose N-acetylglucosaminyltransferase 2 (beta 1,4-); minus strand). Cytogenetic location: 3p22.1.
Variant type: single nucleotide variant.
Coding change: c.153C>T on transcript NM_032806.6 (MANE Select); coding-DNA position 153, C replaced by T.
Protein change: p.Ile51=; no amino-acid change (isoleucine 51 retained).
Molecular consequence: synonymous variant.
Genome position (GRCh38, 1-based): chr3:43,081,279, G>A on the plus strand (C>T on the coding strand, the complement: POMGNT2 is on the minus strand). VCF-style: chr3-43081279-G-A. GRCh37 (hg19) VCF-style: chr3-43122771-G-A.
Identifiers: ClinVar variation 389776 (VCV000389776.38), dbSNP rs149543151, ClinGen allele CA2340147.